The following is an entry in ClinVar:

NM_001386140.1(MTTP):c.1932del (p.Arg645fs)

Gene: MTTP (microsomal triglyceride transfer protein; plus strand). Cytogenetic location: 4q23.
Variant type: Deletion.
Coding change: c.1932del on transcript NM_001386140.1 (MANE Select); coding-DNA position 1932, one base deleted (G; older notation c.1932delG).
Protein change: p.Arg645fs; shifts the reading frame from arginine 645.
Molecular consequence: frameshift variant.
Genome position (GRCh38, 1-based): chr4:99,611,396, G deleted; the last of 2 consecutive G bases (chr4:99,611,395-99,611,396); deleting either gives the same sequence. VCF-style (leftmost placement, unchanged base first): chr4-99611394-AG-A. GRCh37 (hg19) VCF-style: chr4-100532551-AG-A.
Other names: c.1932del, p.Arg645fs (NM_000253.4); c.1683del, p.Arg562fs (NM_001300785.2); short protein forms R562fs, R645fs.
Identifiers: ClinVar variation 3020506 (VCV003020506.3), dbSNP rs2476145911, ClinGen allele CA2740091314.

ClinVar aggregate classification (germline): Pathogenic (1 of 4 stars; one submission).

Submission:

Labcorp Genetics (formerly Invitae), Labcorp
Classification: Pathogenic. Last evaluated: 2025-12-03. Review status: criteria provided, single submitter. Criteria: Invitae Variant Classification Sherloc (09022015). Collection method: clinical testing. Allele origin: germline.
Comment: This sequence change creates a premature translational stop signal (p.Arg645Glufs*4) in the MTTP gene. It is expected to result in an absent or disrupted protein product. Loss-of-function variants in MTTP are known to be pathogenic (PMID: 8533758, 9671739). This variant is not present in population databases (gnomAD no frequency). This variant has not been reported in the literature in individuals affected with MTTP-related conditions. ClinVar contains an entry for this variant (Variation ID: 3020506). Algorithms developed to predict the effect of sequence changes on RNA splicing suggest that this variant may disrupt the consensus splice site. For these reasons, this variant has been classified as Pathogenic.

Literature cited by the submitters: PubMed 8533758; PubMed 9671739.